The following is an entry in ClinVar:

ClinVar aggregate classification (germline): Likely benign. Review status: criteria provided, multiple submitters, no conflicts (2 of 4 stars). 3 submissions from 3 submitters: Likely benign (3). Last evaluated 2025-10-11.

Allele frequency attached by ClinVar (database versions not stated): ExAC 0.00002; gnomAD exomes 0.00002 and 0.00004; TOPMed 0.00002; gnomAD 0.00003 and 0.00004.
gnomAD v4.1: 62 of 1,613,980 alleles (0.0038%); highest among the groups gnomAD compares: Non-Finnish European, 0.0053%; no homozygotes.

Submissions (3):

Labcorp Genetics (formerly Invitae), Labcorp
Classification: Likely benign. Last evaluated: 2025-10-11. Review status: criteria provided, single submitter. Criteria: Invitae Variant Classification Sherloc (09022015). Collection method: clinical testing. Allele origin: germline.

Blueprint Genetics
Classification: Likely benign. Last evaluated: 2024-11-05. Review status: criteria provided, single submitter. Criteria: ACMG Guidelines, 2015. Collection method: clinical testing. Allele origin: germline.

CeGaT Center for Human Genetics Tuebingen
Classification: Likely benign. Last evaluated: 2022-03-01. Review status: criteria provided, single submitter. Criteria: CeGaT Center For Human Genetics Tuebingen Variant Classification Criteria Version 2. Collection method: clinical testing. Allele origin: germline. Affected: yes. Observed: 1 variant allele.
Comment: KANK1: BP4, BP7

NM_015158.5(KANK1):c.1263C>T (p.Ser421=)

Gene: KANK1 (KN motif and ankyrin repeat domains 1; plus strand). Cytogenetic location: 9p24.3.
Variant type: single nucleotide variant.
Coding change: c.1263C>T on transcript NM_015158.5 (MANE Select); coding-DNA position 1263, C replaced by T.
Protein change: p.Ser421=; no amino-acid change (serine 421 retained).
Molecular consequence: synonymous variant. On other transcripts: non-coding transcript variant (1).
Genome position (GRCh38, 1-based): chr9:712,029, C>T. VCF-style: chr9-712029-C-T. GRCh37 (hg19) VCF-style: chr9-712029-C-T.
Other names: c.1263C>T, p.Ser421= (NM_001256876.3, NM_001256877.3, NM_001354331.2 and 2 more transcripts); c.789C>T, p.Ser263= (NM_001354333.2, NM_001354335.2, NM_001354336.2 and 9 more transcripts).
Identifiers: ClinVar variation 798004 (VCV000798004.33), dbSNP rs751062805, ClinGen allele CA4960173.